The following is an entry in ClinVar:

NM_138694.4(PKHD1):c.4465G>T (p.Asp1489Tyr)

Gene: PKHD1 (PKHD1 ciliary IPT domain containing fibrocystin/polyductin; minus strand). Cytogenetic location: 6p12.2.
Variant type: single nucleotide variant.
Coding change: c.4465G>T on transcript NM_138694.4 (MANE Select); coding-DNA position 4465, G replaced by T.
Protein change: p.Asp1489Tyr; replaces aspartic acid 1489 with tyrosine.
Molecular consequence: missense variant.
Genome position (GRCh38, 1-based): chr6:52,025,345, C>A on the plus strand (G>T on the coding strand, the complement: PKHD1 is on the minus strand). VCF-style: chr6-52025345-C-A. GRCh37 (hg19) VCF-style: chr6-51890143-C-A.
Other names: c.4465G>T, p.Asp1489Tyr (NM_170724.3); short protein forms D1489Y.
Identifiers: ClinVar variation 4796901 (VCV004796901.1).

ClinVar aggregate classification (germline): Uncertain significance (1 of 4 stars; one submission).

Conditions:
Autosomal recessive polycystic kidney disease (ARPKD). Also called: AR polycystic kidney disease. Identifiers: Orphanet 731, Orphanet 8378, MedGen C0085548, MeSH D017044, MONDO:0009889.

Submission:

Labcorp Genetics (formerly Invitae), Labcorp
Classification: Uncertain significance for Autosomal recessive polycystic kidney disease. Last evaluated: 2025-12-19. Review status: criteria provided, single submitter. Criteria: Invitae Variant Classification Sherloc (09022015). Collection method: clinical testing. Allele origin: germline.
Comment: This sequence change replaces aspartic acid, which is acidic and polar, with tyrosine, which is neutral and polar, at codon 1489 of the PKHD1 protein (p.Asp1489Tyr). This variant is not present in population databases (gnomAD no frequency). This variant has not been reported in the literature in individuals affected with PKHD1-related conditions. Invitae Evidence Modeling of protein sequence and biophysical properties (such as structural, functional, and spatial information, amino acid conservation, physicochemical variation, residue mobility, and thermodynamic stability) has been performed for this missense variant. However, the output from this modeling did not meet the statistical confidence thresholds required to predict the impact of this variant on PKHD1 protein function. In summary, the available evidence is currently insufficient to determine the role of this variant in disease. Therefore, it has been classified as a Variant of Uncertain Significance.